The following is an entry in ClinVar:

ClinVar aggregate classification (germline): Benign (0 of 4 stars; one submission).

Conditions:
CD207-related disorder. Also called: CD207-related condition.

Allele frequency attached by ClinVar (database versions not stated): 1000 Genomes Project 30x 0.13554; 1000 Genomes Project 0.13758; TOPMed 0.18724; ESP Exome Variant Server 0.19055.
gnomAD v4.1: 383,601 of 1,612,600 alleles (24%); highest among the groups gnomAD compares: Admixed American, 26%; 48,170 homozygotes.

Submission:

PreventionGenetics, part of Exact Sciences
Classification: Benign for CD207-related condition. Last evaluated: 2019-10-18. Review status: no assertion criteria provided. Collection method: clinical testing. Allele origin: germline.
Comment: This variant is classified as benign based on ACMG/AMP sequence variant interpretation guidelines (Richards et al. 2015 PMID: 25741868, with internal and published modifications).

NM_015717.5(CD207):c.942G>A (p.Thr314=)

Genes: CD207 (CD207 molecule; minus strand), LOC126806248 (BRD4-independent group 4 enhancer GRCh37_chr2:71057644-71058843; plus strand). Cytogenetic location: 2p13.3.
Variant type: single nucleotide variant.
Coding change: c.942G>A on transcript NM_015717.5 (MANE Select); coding-DNA position 942, G replaced by A.
Protein change: p.Thr314=; no amino-acid change (threonine 314 retained).
Molecular consequence: synonymous variant.
Genome position (GRCh38, 1-based): chr2:70,831,095, C>T on the plus strand (G>A on the coding strand, the complement: CD207 is on the minus strand). VCF-style: chr2-70831095-C-T. GRCh37 (hg19) VCF-style: chr2-71058226-C-T.
Identifiers: ClinVar variation 3060627 (VCV003060627.2), dbSNP rs2080390, ClinGen allele CA1700243.